The following is an entry in ClinVar:

NM_014363.6(SACS):c.3074A>T (p.Asn1025Ile)

Gene: SACS (sacsin molecular chaperone; minus strand). Cytogenetic location: 13q12.12.
Variant type: single nucleotide variant.
Coding change: c.3074A>T on transcript NM_014363.6 (MANE Select); coding-DNA position 3074, A replaced by T.
Protein change: p.Asn1025Ile; replaces asparagine 1025 with isoleucine.
Molecular consequence: missense variant.
Genome position (GRCh38, 1-based): chr13:23,340,802, T>A on the plus strand (A>T on the coding strand, the complement: SACS is on the minus strand). VCF-style: chr13-23340802-T-A. GRCh37 (hg19) VCF-style: chr13-23914941-T-A.
Other names: c.2633A>T, p.Asn878Ile (NM_001278055.2); short protein forms N1025I, N878I.
Identifiers: ClinVar variation 193712 (VCV000193712.23), dbSNP rs150981983, ClinGen allele CA239318.
Genomic context (GRCh38, chr13:23,340,802, plus strand): 5'-TCCTGTGATATCTGGATGAATTTTAATGGTGTTAACCACTCAAGCACATTTGGATTCTCA[T>A]TTTTAAGAGAAGATAGATTCTCAAGGACCCATAACATAAGCTGTGTTACCTCTTCATGTG-3'
Protein context (NP_055178.3, residues 1015-1035): WVLENLSSLK[Asn1025Ile]ENPNVLEWLT

ClinVar aggregate classification (germline): Conflicting classifications of pathogenicity. Review status: criteria provided, conflicting classifications (1 of 4 stars). 7 submissions from 7 submitters: Uncertain significance (2); Likely benign (4). 1 of the submissions does not count toward it. Last evaluated 2026-02-13.

Conditions:
SACS-related disorder. Also called: SACS-related condition.
Spastic paraplegia. Identifiers: MedGen C0037772, HP:0001258.
Charlevoix-Saguenay spastic ataxia (SACS). Also called: Spastic ataxia of Charlevoix-Saguenay; SPASTIC ATAXIA 6, AUTOSOMAL RECESSIVE; AUTOSOMAL RECESSIVE SPASTIC ATAXIA OF CHARLEVOIX-SAGUENAY. Identifiers: Orphanet 98, MedGen C1849140, MONDO:0010041, OMIM 270550.

Allele frequency attached by ClinVar (database versions not stated): gnomAD exomes 0.00007 and 0.00017; 1000 Genomes Project 30x 0.00016; 1000 Genomes Project 0.00020; ExAC 0.00025; ESP Exome Variant Server 0.00077; gnomAD 0.00088 and 0.00097; TOPMed 0.00095.

Submissions (7):

PreventionGenetics, part of Exact Sciences
Classification: Likely benign for SACS-related condition. Last evaluated: 2026-02-13. Review status: criteria provided, single submitter. Criteria: ACMG Guidelines, 2015. Collection method: clinical testing. Allele origin: germline.
Comment: This variant is classified as likely benign based on ACMG/AMP sequence variant interpretation guidelines (Richards et al. 2015 PMID: 25741868, with internal and published modifications).

Labcorp Genetics (formerly Invitae), Labcorp
Classification: Likely benign for Spastic paraplegia. Last evaluated: 2026-01-14. Review status: criteria provided, single submitter. Criteria: Invitae Variant Classification Sherloc (09022015). Collection method: clinical testing. Allele origin: germline.

Athena Diagnostics
Classification: Likely benign. Last evaluated: 2024-11-14. Review status: criteria provided, single submitter. Criteria: Athena Diagnostics Criteria. Collection method: clinical testing. Allele origin: unknown.

GeneDx
Classification: Uncertain significance. Last evaluated: 2022-07-07. Review status: criteria provided, single submitter. Criteria: GeneDx Variant Classification Process June 2021. Collection method: clinical testing. Allele origin: germline. Affected: yes.
Comment: In silico analysis supports that this missense variant has a deleterious effect on protein structure/function; Has not been previously published as pathogenic or benign to our knowledge

Genome-Nilou Lab
Classification: Likely benign for Charlevoix-Saguenay spastic ataxia. Last evaluated: 2021-09-05. Review status: criteria provided, single submitter. Criteria: ACMG Guidelines, 2015. Collection method: clinical testing. Allele origin: germline. Affected: no.

Eurofins Ntd Llc (ga)
Classification: Uncertain significance. Last evaluated: 2015-05-26. Review status: criteria provided, single submitter. Criteria: EGL Classification Definitions 2015. Collection method: clinical testing. Allele origin: germline. Observed: 1 variant allele, 1 heterozygote.

Natera, Inc.
Classification: Likely benign for Charlevoix-Saguenay type spastic ataxia. Last evaluated: 2020-05-02. Review status: no assertion criteria provided. Collection method: clinical testing. Allele origin: germline. Not counted in ClinVar's aggregate classification.

Literature cited by the submitters: PubMed 23280630 (cited by Athena Diagnostics).